The following is an entry in ClinVar:

ClinVar aggregate classification (germline): Uncertain significance (1 of 4 stars; one submission).

Conditions:
Neurofibromatosis, type 1 (NF1). Also called: VON RECKLINGHAUSEN DISEASE; NEUROFIBROMATOSIS, TYPE I, SOMATIC; Neurofibromatosis, type I; Peripheral type neurofibromatosis. Identifiers: Orphanet 636, MedGen C0027831, MONDO:0018975, OMIM 162200. Disease mechanism: loss of function.

Submission:

Labcorp Genetics (formerly Invitae), Labcorp
Classification: Uncertain significance for Neurofibromatosis, type 1. Last evaluated: 2023-02-05. Review status: criteria provided, single submitter. Criteria: Invitae Variant Classification Sherloc (09022015). Collection method: clinical testing. Allele origin: germline.
Comment: This sequence change replaces cysteine, which is neutral and slightly polar, with serine, which is neutral and polar, at codon 245 of the NF1 protein (p.Cys245Ser). This variant is not present in population databases (gnomAD no frequency). This variant has not been reported in the literature in individuals affected with NF1-related conditions. Advanced modeling of protein sequence and biophysical properties (such as structural, functional, and spatial information, amino acid conservation, physicochemical variation, residue mobility, and thermodynamic stability) performed at Invitae indicates that this missense variant is not expected to disrupt NF1 protein function. In summary, the available evidence is currently insufficient to determine the role of this variant in disease. Therefore, it has been classified as a Variant of Uncertain Significance.

NM_001042492.3(NF1):c.734G>C (p.Cys245Ser)

Gene: NF1 (neurofibromin 1; plus strand). Cytogenetic location: 17q11.2.
Variant type: single nucleotide variant.
Coding change: c.734G>C on transcript NM_001042492.3 (MANE Select); coding-DNA position 734, G replaced by C.
Protein change: p.Cys245Ser; replaces cysteine 245 with serine.
Molecular consequence: missense variant.
Genome position (GRCh38, 1-based): chr17:31,182,511, G>C. VCF-style: chr17-31182511-G-C. GRCh37 (hg19) VCF-style: chr17-29509529-G-C.
Other names: c.734G>C, p.Cys245Ser (NM_000267.4, NM_001128147.3); short protein forms C245S.
Identifiers: ClinVar variation 2834861 (VCV002834861.3), dbSNP rs587781869, ClinGen allele CA398990479.